The following is an entry in ClinVar:

ClinVar aggregate classification (germline): Uncertain significance (1 of 4 stars; one submission).

Conditions:
Intellectual developmental disorder, autosomal dominant 3. Also called: Intellectual disability, autosomal dominant 3. Identifiers: MedGen C2675488, MONDO:0012946, OMIM 612580.

gnomAD v4.1: 4 of 1,608,228 alleles (0.00025%); highest among the groups gnomAD compares: African/African-American, 0.004%; no homozygotes.

Submission:

Laboratorio de Genetica e Diagnostico Molecular, Hospital Israelita Albert Einstein
Classification: Uncertain significance for Intellectual developmental disorder, autosomal dominant 3. Last evaluated: 2021-06-01. Review status: criteria provided, single submitter. Criteria: ACMG Guidelines, 2015. Collection method: clinical testing. Allele origin: germline. Affected: yes.
Comment: ACMG classification criteria: PM2, BP4

NM_004933.3(CDH15):c.479G>T (p.Arg160Leu)

Gene: CDH15 (cadherin 15; plus strand). Cytogenetic location: 16q24.3.
Variant type: single nucleotide variant.
Coding change: c.479G>T on transcript NM_004933.3 (MANE Select); coding-DNA position 479, G replaced by T.
Protein change: p.Arg160Leu; replaces arginine 160 with leucine.
Molecular consequence: missense variant.
Genome position (GRCh38, 1-based): chr16:89,183,669, G>T. VCF-style: chr16-89183669-G-T. GRCh37 (hg19) VCF-style: chr16-89250077-G-T.
Other names: short protein forms R160L.
Identifiers: ClinVar variation 1683624 (VCV001683624.2), dbSNP rs369302977, ClinGen allele CA8238844.